The following is an entry in ClinVar:

ClinVar aggregate classification (germline): Uncertain significance (1 of 4 stars; one submission).

Conditions:
Early-infantile DEE. Also called: Ohtahara syndrome; Early infantile epileptic encephalopathy; Early infantile epileptic encephalopathy with suppression bursts. Identifiers: Orphanet 1934, MedGen C0393706, MONDO:0800491.

Submission:

Labcorp Genetics (formerly Invitae), Labcorp
Classification: Uncertain significance for Early-infantile DEE. Last evaluated: 2023-09-22. Review status: criteria provided, single submitter. Criteria: Invitae Variant Classification Sherloc (09022015). Collection method: clinical testing. Allele origin: germline.
Comment: This sequence change replaces valine, which is neutral and non-polar, with leucine, which is neutral and non-polar, at codon 1784 of the SCN1A protein (p.Val1784Leu). This variant is not present in population databases (gnomAD no frequency). This variant has not been reported in the literature in individuals affected with SCN1A-related conditions. Advanced modeling of protein sequence and biophysical properties (such as structural, functional, and spatial information, amino acid conservation, physicochemical variation, residue mobility, and thermodynamic stability) performed at Invitae indicates that this missense variant is expected to disrupt SCN1A protein function. In summary, the available evidence is currently insufficient to determine the role of this variant in disease. Therefore, it has been classified as a Variant of Uncertain Significance.

NM_001165963.4(SCN1A):c.5350G>C (p.Val1784Leu)

Genes: SCN1A (sodium voltage-gated channel alpha subunit 1; minus strand), LOC102724058 (uncharacterized LOC102724058; plus strand). Cytogenetic location: 2q24.3.
Variant type: single nucleotide variant.
Coding change: c.5350G>C on transcript NM_001165963.4 (MANE Select); coding-DNA position 5350, G replaced by C.
Protein change: p.Val1784Leu; replaces valine 1784 with leucine.
Molecular consequence: missense variant. On other transcripts: non-coding transcript variant (1).
Genome position (GRCh38, 1-based): chr2:165,991,925, C>G on the plus strand (G>C on the coding strand, the complement: SCN1A is on the minus strand). VCF-style: chr2-165991925-C-G. GRCh37 (hg19) VCF-style: chr2-166848435-C-G.
Other names: c.5266G>C, p.Val1756Leu (NM_001165964.3, NM_001353957.2, NM_001353958.2); c.5350G>C, p.Val1784Leu (NM_001202435.3, NM_001353948.2); c.5317G>C, p.Val1773Leu (NM_001353949.2, NM_001353950.2, NM_001353951.2 and 2 more transcripts); c.5314G>C, p.Val1772Leu (NM_001353954.2, NM_001353955.2); c.5263G>C, p.Val1755Leu (NM_001353960.2); c.2908G>C, p.Val970Leu (NM_001353961.2); short protein forms V1773L, V1784L, V1755L, V1772L, V1756L, V970L.
Identifiers: ClinVar variation 2762703 (VCV002762703.3), dbSNP rs1156906840, ClinGen allele CA349068046.